The following is an entry in ClinVar:

NM_015272.5(RPGRIP1L):c.3300C>T (p.Leu1100=)

Gene: RPGRIP1L (RPGRIP1 like; minus strand). Cytogenetic location: 16q12.2.
Variant type: single nucleotide variant.
Coding change: c.3300C>T on transcript NM_015272.5 (MANE Select); coding-DNA position 3300, C replaced by T.
Protein change: p.Leu1100=; no amino-acid change (leucine 1100 retained).
Molecular consequence: synonymous variant. On other transcripts: intron variant (2).
Genome position (GRCh38, 1-based): chr16:53,622,351, G>A on the plus strand (C>T on the coding strand, the complement: RPGRIP1L is on the minus strand). VCF-style: chr16-53622351-G-A. GRCh37 (hg19) VCF-style: chr16-53656263-G-A.
Other names: c.3198C>T, p.Leu1066= (NM_001330538.2); c.3193-3143C>T (NM_001127897.4); c.3295-3143C>T (NM_001308334.3); c.3300C>T (NM_015272.4).
Identifiers: ClinVar variation 516068 (VCV000516068.16), dbSNP rs190706759, ClinGen allele CA281358412.

ClinVar aggregate classification (germline): Likely benign. Review status: criteria provided, multiple submitters, no conflicts (2 of 4 stars). 5 submissions from 5 submitters: Likely benign (4). 1 of the submissions does not count toward it. Last evaluated 2026-09-01.

Conditions:
Meckel-Gruber syndrome. Also called: DYSENCEPHALIA SPLANCHNOCYSTICA; GRUBER SYNDROME; Dysencephalia splachnocystica. Identifiers: Orphanet 564, MedGen C0265215, MONDO:0018921.
Joubert syndrome. Also called: JOUBERT-BOLTSHAUSER SYNDROME; Familial aplasia of the vermis. Identifiers: Orphanet 475, MedGen C5979921, MONDO:0018772.
RPGRIP1L-related disorder. Also called: RPGRIP1L-related disorders; RPGRIP1L-related condition. Identifiers: MedGen CN239416.

Allele frequency attached by ClinVar (database versions not stated): gnomAD exomes 0.00007 and 0.00015; gnomAD 0.00076 and 0.00077; TOPMed 0.00088; 1000 Genomes Project 0.00100; 1000 Genomes Project 30x 0.00109.
gnomAD v4.1: 145 of 605,252 alleles (0.024%); highest among the groups gnomAD compares: African/African-American, 0.24%; no homozygotes.

Submissions (5):

CeGaT Center for Human Genetics Tuebingen
Classification: Likely benign. Last evaluated: 2026-09-01. Review status: criteria provided, single submitter. Criteria: CeGaT Center For Human Genetics Tuebingen Variant Classification Criteria Version 2. Collection method: clinical testing. Allele origin: germline. Affected: yes. Observed: 1 variant allele.
Comment: RPGRIP1L: BP4, BP7

Labcorp Genetics (formerly Invitae), Labcorp
Classification: Likely benign for Joubert syndrome; Meckel-Gruber syndrome. Last evaluated: 2026-01-28. Review status: criteria provided, single submitter. Criteria: Invitae Variant Classification Sherloc (09022015). Collection method: clinical testing. Allele origin: germline.

Blueprint Genetics
Classification: Likely benign. Last evaluated: 2021-11-24. Review status: criteria provided, single submitter. Criteria: ACMG Guidelines, 2015. Collection method: clinical testing. Allele origin: germline.

GeneDx
Classification: Likely benign. Last evaluated: 2019-11-01. Review status: criteria provided, single submitter. Criteria: GeneDx Variant Classification Process June 2021. Collection method: clinical testing. Allele origin: germline. Affected: yes.

PreventionGenetics, part of Exact Sciences
Classification: Likely benign for RPGRIP1L-related condition. Last evaluated: 2024-07-17. Review status: no assertion criteria provided. Collection method: clinical testing. Allele origin: germline. Not counted in ClinVar's aggregate classification.
Comment: This variant is classified as likely benign based on ACMG/AMP sequence variant interpretation guidelines (Richards et al. 2015 PMID: 25741868, with internal and published modifications).